The following is an entry in ClinVar:

ClinVar aggregate classification (germline): Uncertain significance (1 of 4 stars; one submission).

Allele frequency attached by ClinVar (database versions not stated): gnomAD exomes below 0.00001.
gnomAD v4.1: 1 of 1,612,776 alleles (0.000062%); highest among the groups gnomAD compares: Admixed American, 0.0017%; no homozygotes.

Submission:

Labcorp Genetics (formerly Invitae), Labcorp
Classification: Uncertain significance. Last evaluated: 2024-12-16. Review status: criteria provided, single submitter. Criteria: Invitae Variant Classification Sherloc (09022015). Collection method: clinical testing. Allele origin: germline.
Comment: This sequence change replaces glycine, which is neutral and non-polar, with arginine, which is basic and polar, at codon 652 of the MKL1 protein (p.Gly652Arg). This variant is not present in population databases (gnomAD no frequency). This variant has not been reported in the literature in individuals affected with MKL1-related conditions. ClinVar contains an entry for this variant (Variation ID: 2825530). An algorithm developed to predict the effect of missense changes on protein structure and function outputs the following: PolyPhen-2: "Probably Damaging". The arginine amino acid residue is found in multiple mammalian species, which suggests that this missense change does not adversely affect protein function. In summary, the available evidence is currently insufficient to determine the role of this variant in disease. Therefore, it has been classified as a Variant of Uncertain Significance.

NM_020831.6(MRTFA):c.2254G>A (p.Gly752Arg)

Gene: MRTFA (myocardin related transcription factor A; minus strand). Cytogenetic location: 22q13.1.
Variant type: single nucleotide variant.
Coding change: c.2254G>A on transcript NM_020831.6 (MANE Select); coding-DNA position 2254, G replaced by A.
Protein change: p.Gly752Arg; replaces glycine 752 with arginine.
Molecular consequence: missense variant.
Genome position (GRCh38, 1-based): chr22:40,418,484, C>T on the plus strand (G>A on the coding strand, the complement: MRTFA is on the minus strand). VCF-style: chr22-40418484-C-T. GRCh37 (hg19) VCF-style: chr22-40814488-C-T.
Other names: c.1954G>A, p.Gly652Arg (NM_001282660.2); c.2104G>A, p.Gly702Arg (NM_001282661.3); c.2254G>A, p.Gly752Arg (NM_001282662.3); c.2059G>A, p.Gly687Arg (NM_001318139.2); short protein forms G702R, G652R, G687R, G752R.
Identifiers: ClinVar variation 2825530 (VCV002825530.3), dbSNP rs1237315638, ClinGen allele CA411657532.